The following is an entry in ClinVar:

NM_024911.7(WLS):c.1124C>A (p.Thr375Lys)

Genes: GNG12-AS1 (GNG12, DIRAS3 and WLS antisense RNA 1; plus strand), WLS (Wnt ligand secretion mediator; minus strand), LOC126805752 (BRD4-independent group 4 enhancer GRCh37_chr1:68613408-68614607; plus strand). Cytogenetic location: 1p31.3.
Variant type: single nucleotide variant.
Coding change: c.1124C>A on transcript NM_024911.7 (MANE Select); coding-DNA position 1124, C replaced by A.
Protein change: p.Thr375Lys; replaces threonine 375 with lysine.
Molecular consequence: missense variant.
Genome position (GRCh38, 1-based): chr1:68,148,146, G>T on the plus strand (C>A on the coding strand, the complement: WLS is on the minus strand). VCF-style: chr1-68148146-G-T. GRCh37 (hg19) VCF-style: chr1-68613829-G-T.
Other names: c.1118C>A, p.Thr373Lys (NM_001002292.4); c.851C>A, p.Thr284Lys (NM_001193334.1); short protein forms T284K, T373K, T375K.
Identifiers: ClinVar variation 4850955 (VCV004850955.1).

ClinVar aggregate classification (germline): VUS-high (1 of 4 stars; one submission).

Conditions:
Zaki syndrome. Also called: MICROCEPHALY, PROGRESSIVE, WITH DEVELOPMENTAL DELAY, CUPPED EARS, AND DYSMORPHIC FEATURES. Identifiers: MedGen C5562037, MONDO:0859209, OMIM 619648.

Submission:

Laboratory of Cytogenetics, Molecular Genetics and Reproductive Biology, Farhat Hached University Hospital
Classification: VUS-high for Zaki syndrome. Last evaluated: 2025-12-12. Review status: criteria provided, single submitter. Criteria: ACMG Guidelines, 2015. Collection method: clinical testing. Allele origin: germline. Inheritance: Autosomal recessive inheritance. Affected: yes.
Comment: The NM_024911.7.1124C>A variant in WLS was identified in a patient presenting with corpus callosum malformation and neurodevelopmental abnormalities (PMID: 40618129). This sequence variant results in a nucleotide substitution in the coding region of the WLS gene. Pathogenic variants in WLS have been associated with Zaki syndrome, a neurodevelopmental disorder characterized by developmental delay, brain malformations, and dysmorphic features. The variant was evaluated using ACMG/AMP variant interpretation guidelines (PMID:25741868). Available evidence, including phenotype correlation, review of currently available literature, and database assessment, was insufficient to establish a definitive pathogenic or benign role for this specific variant. Therefore, this variant was classified as a Variant of Uncertain Significance (VUS)

Literature cited by the submitters: PubMed 40618129.